The following is an entry in ClinVar:

NM_003235.5(TG):c.4493C>T (p.Thr1498Met)

Gene: TG (thyroglobulin; plus strand). Cytogenetic location: 8q24.22.
Variant type: single nucleotide variant.
Coding change: c.4493C>T on transcript NM_003235.5 (MANE Select); coding-DNA position 4493, C replaced by T.
Protein change: p.Thr1498Met; replaces threonine 1498 with methionine.
Molecular consequence: missense variant.
Genome position (GRCh38, 1-based): chr8:132,919,490, C>T. VCF-style: chr8-132919490-C-T. GRCh37 (hg19) VCF-style: chr8-133931735-C-T.
Other names: short protein forms T1498M.
Identifiers: ClinVar variation 773766 (VCV000773766.12), dbSNP rs74590117, ClinGen allele CA4884141.

ClinVar aggregate classification (germline): Benign/Likely benign. Review status: criteria provided, multiple submitters, no conflicts (2 of 4 stars). 3 submissions from 3 submitters: Benign (1); Likely benign (2). Last evaluated 2026-05-12.

Conditions:
Iodotyrosyl coupling defect (TDH3). Also called: THYROID HORMONOGENESIS, GENETIC DEFECT IN, 3; HYPOTHYROIDISM, CONGENITAL, DUE TO DYSHORMONOGENESIS, 3. Identifiers: Orphanet 95716, MedGen C0342194, MONDO:0010135, OMIM 274700.

Allele frequency attached by ClinVar (database versions not stated): 1000 Genomes Project 0.01338; ESP Exome Variant Server 0.00015; gnomAD 0.00235 and 0.00151; TOPMed 0.00244; gnomAD exomes 0.00246 and 0.00425; 1000 Genomes Project 30x 0.01265; ExAC 0.00442.
gnomAD v4.1: 4,079 of 1,614,042 alleles (0.25%); highest among the groups gnomAD compares: East Asian, 7.7%; 188 homozygotes.

Submissions (3):

Women's Health and Genetics/Laboratory Corporation of America, LabCorp
Classification: Likely benign. Last evaluated: 2026-05-12. Review status: criteria provided, single submitter. Criteria: LabCorp Variant Classification Summary - May 2015. Collection method: clinical testing. Allele origin: germline.

Labcorp Genetics (formerly Invitae), Labcorp
Classification: Benign. Last evaluated: 2026-02-02. Review status: criteria provided, single submitter. Criteria: Invitae Variant Classification Sherloc (09022015). Collection method: clinical testing. Allele origin: germline.

Illumina Laboratory Services, Illumina
Classification: Likely benign for Iodotyrosyl coupling defect. Last evaluated: 2017-04-27. Review status: criteria provided, single submitter. Criteria: ICSL Variant Classification Criteria 13 December 2019. Collection method: clinical testing. Allele origin: germline.
Comment: This variant was observed as part of a predisposition screen in an ostensibly healthy population. A literature search was performed for the gene, cDNA change, and amino acid change (where applicable). Publications were found based on this search. The evidence from the literature, in combination with allele frequency data from public databases where available, was sufficient to determine this variant is unlikely to cause disease. Therefore, this variant is classified as likely benign.

Literature cited by the submitters: PubMed 21900383 (cited by Illumina Laboratory Services, Illumina).